The following is an entry in ClinVar:

NM_001042424.3(NSD2):c.1642dup (p.Arg548fs)

Gene: NSD2 (nuclear receptor binding SET domain protein 2; plus strand). Cytogenetic location: 4p16.3.
Variant type: Duplication.
Coding change: c.1642dup on transcript NM_001042424.3 (MANE Select); coding-DNA position 1642, one base duplicated (A; older notation c.1642dupA).
Protein change: p.Arg548fs; shifts the reading frame from arginine 548.
Molecular consequence: frameshift variant.
Genome position (GRCh38, 1-based): chr4:1,935,230, A duplicated; the last of 4 consecutive A bases (chr4:1,935,227-1,935,230); duplicating any one gives the same sequence. VCF-style (leftmost placement, unchanged base first): chr4-1935226-G-GA. GRCh37 (hg19) VCF-style: chr4-1936953-G-GA.
Other names: p.R548Kfs*17; c.1642dupA (NM_133330.2); c.1642dup, p.Arg548fs (NM_007331.2, NM_133330.3, NM_133331.3 and 1 more transcripts); c.1642dup, p.Arg548Lysfs (NM_133334.3); short protein forms R548fs.
Identifiers: ClinVar variation 817647 (VCV000817647.3), dbSNP rs1577484648, ClinGen allele CA915942999.

ClinVar aggregate classification (germline): Pathogenic. Review status: criteria provided, single submitter (1 of 4 stars). 2 submissions from 2 submitters: Pathogenic (1). 1 of the submissions does not count toward it. Last evaluated 2018-12-27.

Conditions:
Rauch-Steindl syndrome (RAUST). Identifiers: Orphanet 659642, MedGen C5562061, MONDO:0859219, OMIM 619695.

Submissions (2):

GeneDx
Classification: Pathogenic. Last evaluated: 2018-12-27. Review status: criteria provided, single submitter. Criteria: GeneDx Variant Classification (06012015). Collection method: clinical testing. Allele origin: germline. Affected: yes.
Comment: The c.1642dupA variant in the NSD2 gene has not been reported previously as a pathogenic variant nor as a benign variant, to our knowledge. The c.1642dupA variant causes a frameshift starting with codon Arginine 548, changes this amino acid to a Lysine residue, and creates a premature Stop codon at position 17 of the new reading frame, denoted p.Arg548LysfsX17. This variant is predicted to cause loss of normal protein function either through protein truncation or nonsense-mediated mRNA decay. The c.1642dupA variant is not observed in large population cohorts (Lek et al., 2016). We interpret c.1642dupA as a pathogenic variant.

Undiagnosed Diseases Network, NIH
Classification: Pathogenic for Rauch-Steindl syndrome. Last evaluated: 2023-10-04. Review status: no assertion criteria provided. Collection method: clinical testing. Allele origin: paternal. Affected: yes. Observed: 1 variant allele, 1 heterozygote. Study: Undiagnosed Diseases Network (NIH), UDN. Not counted in ClinVar's aggregate classification.